The following is an entry in ClinVar:

ClinVar aggregate classification (germline): Uncertain significance. Review status: criteria provided, multiple submitters, no conflicts (2 of 4 stars). 2 submissions from 2 submitters: Uncertain significance (2). Last evaluated 2026-03-26.

Conditions:
Aicardi-Goutieres syndrome 7 (AGS7). Identifiers: Orphanet 51, MedGen C3888244, MONDO:0014367, OMIM 615846.
Singleton-Merten syndrome 1 (SGMRT1). Also called: Widened medullary cavities of bone, aortic calcification, abnormal dentition, and muscular weakness; Syndrome of widened medullary cavities of the metacarpals and phalanges, aortic calcification and abnormal dentition. Identifiers: Orphanet 85191, MedGen C4225427, MONDO:0024535, OMIM 182250.

Submissions (2):

GeneDx
Classification: Uncertain significance. Last evaluated: 2026-03-26. Review status: criteria provided, single submitter. Criteria: GeneDx Variant Classification Process June 2021. Collection method: clinical testing. Allele origin: germline.
Comment: Not observed at significant frequency in large population cohorts (gnomAD); In silico analysis suggests that this missense variant does not alter protein structure/function; Has not been previously published as pathogenic or benign to our knowledge

Labcorp Genetics (formerly Invitae), Labcorp
Classification: Uncertain significance for Aicardi-Goutieres syndrome 7; Singleton-Merten syndrome 1. Last evaluated: 2024-02-11. Review status: criteria provided, single submitter. Criteria: Invitae Variant Classification Sherloc (09022015). Collection method: clinical testing. Allele origin: germline.
Comment: This sequence change replaces isoleucine, which is neutral and non-polar, with valine, which is neutral and non-polar, at codon 541 of the IFIH1 protein (p.Ile541Val). This variant is not present in population databases (gnomAD no frequency). This variant has not been reported in the literature in individuals affected with IFIH1-related conditions. Advanced modeling of protein sequence and biophysical properties (such as structural, functional, and spatial information, amino acid conservation, physicochemical variation, residue mobility, and thermodynamic stability) has been performed at Invitae for this missense variant, however the output from this modeling did not meet the statistical confidence thresholds required to predict the impact of this variant on IFIH1 protein function. In summary, the available evidence is currently insufficient to determine the role of this variant in disease. Therefore, it has been classified as a Variant of Uncertain Significance.

NM_022168.4(IFIH1):c.1621A>G (p.Ile541Val)

Gene: IFIH1 (interferon induced with helicase C domain 1; minus strand). Cytogenetic location: 2q24.2.
Variant type: single nucleotide variant.
Coding change: c.1621A>G on transcript NM_022168.4 (MANE Select); coding-DNA position 1621, A replaced by G.
Protein change: p.Ile541Val; replaces isoleucine 541 with valine.
Molecular consequence: missense variant.
Genome position (GRCh38, 1-based): chr2:162,280,016, T>C on the plus strand (A>G on the coding strand, the complement: IFIH1 is on the minus strand). VCF-style: chr2-162280016-T-C. GRCh37 (hg19) VCF-style: chr2-163136526-T-C.
Other names: c.1621A>G (NM_022168.3); short protein forms I541V.
Identifiers: ClinVar variation 3753627 (VCV003753627.3).